The following is an entry in ClinVar:

Single allele

Genes: OR4M2 (olfactory receptor family 4 subfamily M member 2; plus strand), OR4N4 (olfactory receptor family 4 subfamily N member 4; plus strand), POTEB (POTE ankyrin domain family member B), POTEB2 (POTE ankyrin domain family member B2; minus strand), TUBGCP5 (tubulin gamma complex component 5; minus strand) and 5 more. Cytogenetic location: 15q11.1-11.2.
Variant type: Deletion.
Identifiers: ClinVar variation 997814 (VCV000997814.1).

ClinVar aggregate classification (germline): Pathogenic (0 of 4 stars; one submission).

Conditions:
Intellectual disability. Also called: Intellectual functioning disability; intellectual disabilities; Intellectual developmental disorder. Identifiers: MedGen C3714756, MeSH D008607, MONDO:0001071, HP:0001249.

Submission:

Institute of Human Genetics, University of Leipzig Medical Center
Classification: Pathogenic for Intellectual disability. Last evaluated: 2021-02-25. Review status: no assertion criteria provided. Collection method: clinical testing. Allele origin: unknown. Inheritance: Autosomal dominant inheritance. Affected: yes. Observed: 1 variant allele, 1 heterozygote.
Comment: Inheritance was not applicable (heterozygous). The variant was reviewed according to current ClinGen recommendations and classified as Pathogenic (criteria: 1A(0), 2A(1), 3C(0.9), 4E(0.1), 5F(0), Total score=2).